The following is an entry in ClinVar:

NM_001723.7(DST):c.3885A>C (p.Glu1295Asp)

Gene: DST (dystonin; minus strand). Cytogenetic location: 6p12.1.
Variant type: single nucleotide variant.
Coding change: c.3885A>C on transcript NM_001723.7 (MANE Plus Clinical); coding-DNA position 3885, A replaced by C.
Protein change: p.Glu1295Asp; replaces glutamic acid 1295 with aspartic acid.
Molecular consequence: missense variant. On other transcripts: intron variant (10).
Genome position (GRCh38, 1-based): chr6:56,620,149, T>G on the plus strand (A>C on the coding strand, the complement: DST is on the minus strand). VCF-style: chr6-56620149-T-G. GRCh37 (hg19) VCF-style: chr6-56484947-T-G.
Other names: c.4830+4381A>C (NM_001144769.5); c.4929+4381A>C (NM_001374722.1, NM_001374736.1); c.4956+4381A>C (NM_001374734.1); c.4416+4381A>C (NM_001144770.2); c.4296+4381A>C (NM_001374730.1, NM_001386100.1, NM_183380.4 and 1 more transcripts); c.3318+4381A>C (NM_015548.5); short protein forms E1295D.
Identifiers: ClinVar variation 4978303 (VCV004978303.1).

ClinVar aggregate classification (germline): Uncertain significance (1 of 4 stars; one submission).

Conditions:
DST-related disorder. Also called: DST-related disorders; DST-related condition.

Submission:

PreventionGenetics, part of Exact Sciences
Classification: Uncertain significance for DST-related condition. Last evaluated: 2025-03-14. Review status: criteria provided, single submitter. Criteria: ACMG Guidelines, 2015. Collection method: clinical testing. Allele origin: germline.
Comment: The DST c.3885A>C variant is predicted to result in the amino acid substitution p.Glu1295Asp. To our knowledge, this variant has not been reported in the literature or in a large population database (gnomAD), indicating this variant is rare. At this time, the clinical significance of this variant is uncertain due to the absence of conclusive functional and genetic evidence.